The following is an entry in ClinVar:

NM_015450.3(POT1):c.1792+1G>A

Gene: POT1 (protection of telomeres 1; minus strand). Cytogenetic location: 7q31.33.
Variant type: single nucleotide variant.
Coding change: c.1792+1G>A on transcript NM_015450.3 (MANE Select); the canonical splice donor site of the intron after coding-DNA position 1792, G replaced by A.
Molecular consequence: splice donor variant.
Genome position (GRCh38, 1-based): chr7:124,825,251, C>T on the plus strand (G>A on the coding strand, the complement: POT1 is on the minus strand). VCF-style: chr7-124825251-C-T. GRCh37 (hg19) VCF-style: chr7-124465305-C-T.
Other names: c.1399+1G>A (NM_001042594.2).
Identifiers: ClinVar variation 958844 (VCV000958844.12), dbSNP rs1562972354, ClinGen allele CA369062052.

ClinVar aggregate classification (germline): Conflicting classifications of pathogenicity. Review status: criteria provided, conflicting classifications (1 of 4 stars). 3 submissions from 3 submitters: Likely pathogenic (2); Uncertain significance (1). Last evaluated 2025-11-17.

Conditions:
Hereditary cancer-predisposing syndrome. Also called: Tumor predisposition; Hereditary Cancer Syndrome; Neoplastic Syndromes, Hereditary; Hereditary neoplastic syndrome. Identifiers: Orphanet 140162, MedGen C0027672, MeSH D009386, MONDO:0015356.
Tumor predisposition syndrome 3 (TPDS3). Also called: Melanoma, cutaneous malignant, susceptibility to, 10; Glioma susceptibility 9; LONG TELOMERE SYNDROME, POT1-RELATED; POT1 Tumor Predisposition. Identifiers: Orphanet 618, MedGen C4014476, MONDO:0014368, OMIM 615848.

Submissions (3):

Ambry Genetics
Classification: Likely pathogenic for Hereditary cancer-predisposing syndrome. Last evaluated: 2025-11-17. Review status: criteria provided, single submitter. Criteria: Ambry Variant Classification Scheme 2023. Collection method: clinical testing. Allele origin: germline.
Comment: The c.1792+1G>A intronic variant results from a G to A substitution one nucleotide after coding exon 14 of the POT1 gene. This nucleotide position is highly conserved in available vertebrate species. In silico splice site analysis predicts that this alteration will weaken the native splice donor site and will result in the creation or strengthening of a novel splice donor site; however, direct evidence is insufficient at this time (Ambry internal data). Alterations that disrupt the canonical splice site are expected to cause aberrant splicing, resulting in an abnormal protein or a transcript that is subject to nonsense-mediated mRNA decay. As such, this alteration is classified as likely pathogenic.

Labcorp Genetics (formerly Invitae), Labcorp
Classification: Uncertain significance for Tumor predisposition syndrome 3. Last evaluated: 2024-04-25. Review status: criteria provided, single submitter. Criteria: Invitae Variant Classification Sherloc (09022015). Collection method: clinical testing. Allele origin: germline.
Comment: This sequence change affects a donor splice site in intron 18 of the POT1 gene. While this variant is not anticipated to result in nonsense mediated decay, it likely alters RNA splicing and results in a disrupted protein product. This variant is not present in population databases (gnomAD no frequency). This variant has not been reported in the literature in individuals affected with POT1-related conditions. ClinVar contains an entry for this variant (Variation ID: 958844). Variants that disrupt the consensus splice site are a relatively common cause of aberrant splicing (PMID: 17576681, 9536098). Algorithms developed to predict the effect of sequence changes on RNA splicing suggest that this variant may disrupt the consensus splice site. This variant disrupts the C-terminus of the POT1 protein. Other variant(s) that disrupt this region (p.Asp617Glufs*9) have been observed in individuals with POT1-related conditions (PMID: 25482530). This suggests that this may be a clinically significant region of the protein. In summary, the available evidence is currently insufficient to determine the role of this variant in disease. Therefore, it has been classified as a Variant of Uncertain Significance.

GeneDx
Classification: Likely pathogenic. Last evaluated: 2024-03-25. Review status: criteria provided, single submitter. Criteria: GeneDx Variant Classification Process June 2021. Collection method: clinical testing. Allele origin: germline. Affected: yes.
Comment: Canonical splice site variant predicted to result in a null allele in a gene for which loss of function is a known mechanism of disease; Not observed at significant frequency in large population cohorts (gnomAD); Has not been previously published as pathogenic or benign to our knowledge

Literature cited by the submitters: PubMed 17576681 (cited by Labcorp Genetics (formerly Invitae), Labcorp); PubMed 9536098 (cited by Labcorp Genetics (formerly Invitae), Labcorp); PubMed 25482530 (cited by Labcorp Genetics (formerly Invitae), Labcorp).